The following is an entry in ClinVar:

NM_001242896.3(DEPDC5):c.757G>T (p.Asp253Tyr)

Gene: DEPDC5 (DEP domain containing 5, GATOR1 subcomplex subunit; plus strand). Cytogenetic location: 22q12.2.
Variant type: single nucleotide variant.
Coding change: c.757G>T on transcript NM_001242896.3 (MANE Select); coding-DNA position 757, G replaced by T.
Protein change: p.Asp253Tyr; replaces aspartic acid 253 with tyrosine.
Molecular consequence: missense variant. On other transcripts: non-coding transcript variant (5).
Genome position (GRCh38, 1-based): chr22:31,792,807, G>T. VCF-style: chr22-31792807-G-T. GRCh37 (hg19) VCF-style: chr22-32188793-G-T.
Other names: c.757G>T, p.Asp253Tyr (NM_001007188.4, NM_001136029.4, NM_001242897.2 and 7 more transcripts); c.673G>T, p.Asp225Tyr (NM_001369901.1, NM_001369902.1); short protein forms D253Y, D225Y.
Identifiers: ClinVar variation 2845776 (VCV002845776.3), dbSNP rs12158711, ClinGen allele CA411289434.

ClinVar aggregate classification (germline): Uncertain significance (1 of 4 stars; one submission).

Conditions:
Familial focal epilepsy with variable foci (FPEVF). Identifiers: Orphanet 98820, MedGen C1858477, MONDO:0020310.

Submission:

Labcorp Genetics (formerly Invitae), Labcorp
Classification: Uncertain significance for Familial focal epilepsy with variable foci. Last evaluated: 2023-12-11. Review status: criteria provided, single submitter. Criteria: Invitae Variant Classification Sherloc (09022015). Collection method: clinical testing. Allele origin: germline.
Comment: This sequence change replaces aspartic acid, which is acidic and polar, with tyrosine, which is neutral and polar, at codon 253 of the DEPDC5 protein (p.Asp253Tyr). This variant is not present in population databases (gnomAD no frequency). This variant has not been reported in the literature in individuals affected with DEPDC5-related conditions. Experimental studies and prediction algorithms are not available or were not evaluated, and the functional significance of this variant is currently unknown. In summary, the available evidence is currently insufficient to determine the role of this variant in disease. Therefore, it has been classified as a Variant of Uncertain Significance.